The following is an entry in ClinVar:

NM_170606.3(KMT2C):c.11807A>G (p.His3936Arg)

Gene: KMT2C (lysine methyltransferase 2C; minus strand). Cytogenetic location: 7q36.1.
Variant type: single nucleotide variant.
Coding change: c.11807A>G on transcript NM_170606.3 (MANE Select); coding-DNA position 11807, A replaced by G.
Protein change: p.His3936Arg; replaces histidine 3936 with arginine.
Molecular consequence: missense variant.
Genome position (GRCh38, 1-based): chr7:152,156,210, T>C on the plus strand (A>G on the coding strand, the complement: KMT2C is on the minus strand). VCF-style: chr7-152156210-T-C. GRCh37 (hg19) VCF-style: chr7-151853295-T-C.
Other names: short protein forms H3936R.
Identifiers: ClinVar variation 3336329 (VCV003336329.1).

ClinVar aggregate classification (germline): Uncertain significance (1 of 4 stars; one submission).

Submission:

Women's Health and Genetics/Laboratory Corporation of America, LabCorp
Classification: Uncertain significance. Last evaluated: 2024-05-28. Review status: criteria provided, single submitter. Criteria: LabCorp Variant Classification Summary - May 2015. Collection method: clinical testing. Allele origin: germline.
Comment: Variant summary: KMT2C c.11807A>G (p.His3936Arg) results in a non-conservative amino acid change in the encoded protein sequence. Three of five in-silico tools predict a damaging effect of the variant on protein function. The variant allele was found at a frequency of 4e-06 in 251378 control chromosomes. The available data on variant occurrences in the general population are insufficient to allow any conclusion about variant significance. To our knowledge, no occurrence of c.11807A>G in individuals affected with Kleefstra Syndrome 2 and no experimental evidence demonstrating its impact on protein function have been reported. No submitters have cited clinical-significance assessments for this variant to ClinVar. Based on the evidence outlined above, the variant was classified as uncertain significance.